The following is an entry in ClinVar:

ClinVar aggregate classification (germline): Likely pathogenic (1 of 4 stars; one submission).

Conditions:
Succinyl-CoA acetoacetate transferase deficiency (SCOTD). Also called: Succinyl CoA:3-oxoacid CoA transferase deficiency; 3-Oxoacid CoA Transferase Deficiency; KETOACIDOSIS DUE TO SCOT DEFICIENCY; SCOT DEFICIENCY; SUCCINYL-CoA:3-KETOACID CoA-TRANSFERASE DEFICIENCY. Identifiers: Orphanet 832, MedGen C0342792, MONDO:0009492, OMIM 245050.

Submission:

Centro de Investigaciones en Bioquimica Clinica e Inmunologia, Consejo Nacional de Investigaciones Científicas y Técnicas
Classification: Likely pathogenic for Succinyl-CoA acetoacetate transferase deficiency. Last evaluated: 2026-03-09. Review status: criteria provided, single submitter. Criteria: ACMG Guidelines, 2015. Collection method: research. Allele origin: germline. Inheritance: Autosomal recessive inheritance. Affected: yes. Observed: 1 variant allele.
Comment: The variant is a nonsense variant predicted to result in a premature termination codon and loss of normal protein function. Loss-of-function is an established disease mechanism for OXCT1-related succinyl-CoA:3-oxoacid CoA transferase deficiency (MIM:245050), fulfilling the PVS1 criterion. The variant is absent from population databases (gnomAD) (PM2_Supporting). Based on the available evidence, this variant is classified as Likely Pathogenic.

NM_000436.4(OXCT1):c.151A>T (p.Lys51Ter)

Gene: OXCT1 (3-oxoacid CoA-transferase 1; minus strand). Cytogenetic location: 5p13.1.
Variant type: single nucleotide variant.
Coding change: c.151A>T on transcript NM_000436.4 (MANE Select); coding-DNA position 151, A replaced by T.
Protein change: p.Lys51Ter; replaces lysine 51 with a stop codon.
Molecular consequence: nonsense. On other transcripts: non-coding transcript variant (1).
Genome position (GRCh38, 1-based): chr5:41,862,678, T>A on the plus strand (A>T on the coding strand, the complement: OXCT1 is on the minus strand). VCF-style: chr5-41862678-T-A. GRCh37 (hg19) VCF-style: chr5-41862780-T-A.
Other names: c.151A>T, p.Lys51Ter (NM_001364299.2, NM_001364301.2, NM_001364302.2); c.172A>T, p.Lys58Ter (NM_001364300.2); short protein forms K51*, K58*.
Identifiers: ClinVar variation 4845308 (VCV004845308.1).